The following is an entry in ClinVar:

ClinVar aggregate classification (germline): Pathogenic (1 of 4 stars; one submission).

Conditions:
Renal hypodysplasia/aplasia 3 (RHDA3). Identifiers: MedGen C4540497, MONDO:0024520, OMIM 617805.
Mayer-Rokitansky-Kuster-Hauser syndrome (CAUV). Also called: CONGENITAL ABSENCE OF UTERUS AND VAGINA; MULLERIAN APLASIA/DYSGENESIS; Mayer-Rokitansky-Küster-Hauser syndrome; Rokitansky sequence. Identifiers: Orphanet 247775, Orphanet 3109, MedGen C0431648, MONDO:0017771.

Submission:

Human Genetic Laboratory, University of Liege
Classification: Pathogenic for Renal hypodysplasia/aplasia 3; Mayer Rokitansky Kuster Hauser syndrome type 1. Last evaluated: 2020-02-20. Review status: criteria provided, single submitter. Criteria: ACMG Guidelines, 2015. Collection method: research. Allele origin: inherited, unknown. Inheritance: Autosomal dominant inheritance. Affected: yes. Observed: 4 heterozygotes. Clinical features observed: Unilateral renal agenesis (HP:0000122), Multicystic kidney dysplasia (HP:0000003).
Comment: This is a novel variant is in GREB1L, a gene previously associated with renal and uterine malformations in human. The variant causes a frameshit and leads to a stop codon in a gene in which null variants are a known mechanism of pathogenicity for the condition. The variant is absent from the Gnomad population database. The observed mode of inheritance was autosomal dominant with incomplete penetrance.

NM_001142966.3(GREB1L):c.2787_2788del (p.Asp930fs)

Gene: GREB1L (GREB1 like retinoic acid receptor coactivator; plus strand). Cytogenetic location: 18q11.1.
Variant type: Microsatellite.
Coding change: c.2787_2788del on transcript NM_001142966.3 (MANE Select); coding-DNA positions 2787 to 2788, 2 bases deleted (CG; older notation c.2787_2788delCG).
Protein change: p.Asp930fs; shifts the reading frame from aspartic acid 930.
Molecular consequence: frameshift variant.
Genome position (GRCh38, 1-based): chr18:21,490,108-21,490,109, CG deleted; deleting any 2 consecutive bases within chr18:21,490,106-21,490,109 gives the same sequence; the c. name uses the placement nearest the transcript's 3' end. VCF-style (leftmost placement, unchanged base first): chr18-21490105-CCG-C. GRCh37 (hg19) VCF-style: chr18-19070066-CCG-C.
Other names: c.2787_2788del (NM_001142966.2); short protein forms D930fs.
Identifiers: ClinVar variation 917901 (VCV000917901.1), dbSNP rs2036272504, ClinGen allele CA1139665969.